The following is an entry in ClinVar:

ClinVar aggregate classification (germline): Uncertain significance (1 of 4 stars; one submission).

Conditions:
Meckel-Gruber syndrome. Also called: DYSENCEPHALIA SPLANCHNOCYSTICA; GRUBER SYNDROME; Dysencephalia splachnocystica. Identifiers: Orphanet 564, MedGen C0265215, MONDO:0018921.
Joubert syndrome. Also called: CEREBELLOPARENCHYMAL DISORDER IV; JOUBERT-BOLTSHAUSER SYNDROME; Familial aplasia of the vermis. Identifiers: Orphanet 475, MedGen C5979921, MONDO:0018772.

Submission:

Labcorp Genetics (formerly Invitae), Labcorp
Classification: Uncertain significance for Joubert syndrome; Meckel-Gruber syndrome. Last evaluated: 2023-11-27. Review status: criteria provided, single submitter. Criteria: Invitae Variant Classification Sherloc (09022015). Collection method: clinical testing. Allele origin: germline.
Comment: This variant results in a copy number gain of the genomic region encompassing exon(s) 4-5 of the TCTN2 gene. While the exact position of this variant cannot be determined from the data, sub-genic copy number gains are generally in tandem (PMID: 25640679). This variant is predicted to be in-frame, and likely preserves the integrity of the reading frame. This variant has not been reported in the literature in individuals affected with TCTN2-related conditions. Experimental studies and prediction algorithms are not available or were not evaluated, and the functional significance of this variant is currently unknown. In summary, the available evidence is currently insufficient to determine the role of this variant in disease. Therefore, it has been classified as a Variant of Uncertain Significance.

Literature cited by the submitters: PubMed 25640679.

NC_000012.11:g.(?_124158142)_(124163856_?)dup

Gene: TCTN2 (tectonic family member 2; plus strand). Cytogenetic location: 12q24.31.
Variant type: Duplication.
Identifiers: ClinVar variation 1450543 (VCV001450543.7).